The following is an entry in ClinVar:

ClinVar aggregate classification (germline): Pathogenic. Review status: criteria provided, multiple submitters, no conflicts (2 of 4 stars). 4 submissions from 3 submitters: Pathogenic (4). Last evaluated 2024-01-31.

Conditions:
Hereditary breast ovarian cancer syndrome. Also called: Breast and ovarian cancer; Hereditary breast and/or ovarian cancer syndrome; BRCA1- and BRCA2-Associated Hereditary Breast and Ovarian Cancer; Hereditary breast and ovarian cancer syndrome; Hereditary breast and ovarian cancer syndrome (HBOC); Hereditary breast and ovarian cancer. Identifiers: Orphanet 145, MedGen C0677776, MeSH D061325, MONDO:0003582. Disease mechanism: loss of function.
Breast-ovarian cancer, familial, susceptibility to, 1 (BROVCA1). Also called: BRCA1 Hereditary Breast and Ovarian Cancer; OVARIAN CANCER, SUSCEPTIBILITY TO. Identifiers: Orphanet 145, MedGen C2676676, MONDO:0011450, OMIM 604370. Disease mechanism: loss of function.
Familial cancer of breast. Also called: BREAST CANCER, FAMILIAL; Hereditary breast cancer; hereditary breast carcinoma. Identifiers: Orphanet 227535, MedGen C0346153, MONDO:0016419, OMIM 114480. Disease mechanism: loss of function.

Submissions (4):

Institute of Human Genetics, University of Leipzig Medical Center
Classification: Pathogenic for Familial cancer of breast. Last evaluated: 2024-01-31. Review status: criteria provided, single submitter. Criteria: ACMG Guidelines, 2015. Collection method: clinical testing. Allele origin: maternal. Inheritance: Autosomal dominant inheritance. Affected: yes.
Comment: Criteria applied: PVS1,PM5_STR,PM2_SUP

Institute of Human Genetics, University of Leipzig Medical Center
Classification: Pathogenic for Breast-ovarian cancer, familial, susceptibility to, 1. Last evaluated: 2023-05-30. Review status: criteria provided, single submitter. Criteria: ACMG Guidelines, 2015. Collection method: clinical testing. Allele origin: unknown. Inheritance: Autosomal dominant inheritance. Affected: yes.
Comment: Criteria applied: PVS1,PS4_MOD,PM2_SUP

Labcorp Genetics (formerly Invitae), Labcorp
Classification: Pathogenic for Hereditary breast ovarian cancer syndrome. Last evaluated: 2022-08-04. Review status: criteria provided, single submitter. Criteria: Invitae Variant Classification Sherloc (09022015). Collection method: clinical testing. Allele origin: germline.
Comment: This variant is not present in population databases (gnomAD no frequency). This sequence change creates a premature translational stop signal (p.Met1936Serfs*27) in the BRCA2 gene. It is expected to result in an absent or disrupted protein product. Loss-of-function variants in BRCA2 are known to be pathogenic (PMID: 20104584). This variant has not been reported in the literature in individuals affected with BRCA2-related conditions. For these reasons, this variant has been classified as Pathogenic. Algorithms developed to predict the effect of sequence changes on RNA splicing suggest that this variant may create or strengthen a splice site. ClinVar contains an entry for this variant (Variation ID: 531323).

Quest Diagnostics Nichols Institute San Juan Capistrano
Classification: Pathogenic. Last evaluated: 2017-11-16. Review status: criteria provided, single submitter. Criteria: Quest Diagnostics criteria. Collection method: clinical testing. Allele origin: germline.

Literature cited by the submitters: PubMed 20104584 (cited by Labcorp Genetics (formerly Invitae), Labcorp).

NM_000059.4(BRCA2):c.5807del (p.Met1936fs)

Gene: BRCA2 (BRCA2 DNA repair associated; plus strand). Cytogenetic location: 13q13.1.
Variant type: Deletion.
Coding change: c.5807del on transcript NM_000059.4 (MANE Select); coding-DNA position 5807, one base deleted (T; older notation c.5807delT).
Protein change: p.Met1936fs; shifts the reading frame from methionine 1936.
Molecular consequence: frameshift variant.
Genome position (GRCh38, 1-based): chr13:32,340,162, T deleted. VCF-style (leftmost placement, unchanged base first): chr13-32340161-AT-A. GRCh37 (hg19) VCF-style: chr13-32914298-AT-A.
Other names: c.5807delT (NM_000059.3).
Identifiers: ClinVar variation 531323 (VCV000531323.10), dbSNP rs1555284404, ClinGen allele CA658798121.